The following is an entry in ClinVar:

NM_032153.6(ZIC4):c.277G>T (p.Ala93Ser)

Gene: ZIC4 (Zic family zinc finger 4; minus strand). Cytogenetic location: 3q24.
Variant type: single nucleotide variant.
Coding change: c.277G>T on transcript NM_032153.6 (MANE Select); coding-DNA position 277, G replaced by T.
Protein change: p.Ala93Ser; replaces alanine 93 with serine.
Molecular consequence: missense variant. On other transcripts: intron variant (1).
Genome position (GRCh38, 1-based): chr3:147,396,263, C>A on the plus strand (G>T on the coding strand, the complement: ZIC4 is on the minus strand). VCF-style: chr3-147396263-C-A. GRCh37 (hg19) VCF-style: chr3-147114050-C-A.
Other names: c.427G>T, p.Ala143Ser (NM_001168378.1); c.391G>T, p.Ala131Ser (NM_001168379.2); c.71-5017G>T (NM_001243256.2); short protein forms A143S, A131S, A93S.
Identifiers: ClinVar variation 2173933 (VCV002173933.5), dbSNP rs199650167, ClinGen allele CA2656845.

ClinVar aggregate classification (germline): Uncertain significance. Review status: criteria provided, multiple submitters, no conflicts (2 of 4 stars). 2 submissions from 2 submitters: Uncertain significance (2). Last evaluated 2025-10-02.

Allele frequency attached by ClinVar (database versions not stated): TOPMed 0.00013; gnomAD 0.00014; ESP Exome Variant Server 0.00016.
gnomAD v4.1: 195 of 1,611,652 alleles (0.012%); highest among the groups gnomAD compares: Non-Finnish European, 0.015%; no homozygotes.

Submissions (2):

Labcorp Genetics (formerly Invitae), Labcorp
Classification: Uncertain significance. Last evaluated: 2025-10-02. Review status: criteria provided, single submitter. Criteria: Invitae Variant Classification Sherloc (09022015). Collection method: clinical testing. Allele origin: germline.
Comment: This sequence change replaces alanine, which is neutral and non-polar, with serine, which is neutral and polar, at codon 143 of the ZIC4 protein (p.Ala143Ser). This variant is present in population databases (rs199650167, gnomAD 0.03%). This variant has not been reported in the literature in individuals affected with ZIC4-related conditions. ClinVar contains an entry for this variant (Variation ID: 2173933). An algorithm developed to predict the effect of missense changes on protein structure and function (PolyPhen-2) suggests that this variant is likely to be disruptive. In summary, the available evidence is currently insufficient to determine the role of this variant in disease. Therefore, it has been classified as a Variant of Uncertain Significance.

Ambry Genetics
Classification: Uncertain significance. Last evaluated: 2023-10-17. Review status: criteria provided, single submitter. Criteria: Ambry Variant Classification Scheme 2023. Collection method: clinical testing. Allele origin: germline.